The following is an entry in ClinVar:

NM_005257.6(GATA6):c.1246C>T (p.Leu416Phe)

Gene: GATA6 (GATA binding protein 6; plus strand). Cytogenetic location: 18q11.2.
Variant type: single nucleotide variant.
Coding change: c.1246C>T on transcript NM_005257.6 (MANE Select); coding-DNA position 1246, C replaced by T.
Protein change: p.Leu416Phe; replaces leucine 416 with phenylalanine.
Molecular consequence: missense variant.
Genome position (GRCh38, 1-based): chr18:22,177,065, C>T. VCF-style: chr18-22177065-C-T. GRCh37 (hg19) VCF-style: chr18-19757026-C-T.
Other names: short protein forms L416F.
Identifiers: ClinVar variation 1021916 (VCV001021916.8), dbSNP rs2033130661, ClinGen allele CA401802129.

ClinVar aggregate classification (germline): Uncertain significance (1 of 4 stars; one submission).

Conditions:
Atrioventricular septal defect 5 (AVSD5). Identifiers: MedGen C3280939, MONDO:0013769, OMIM 614474.

Submission:

Labcorp Genetics (formerly Invitae), Labcorp
Classification: Uncertain significance for Atrioventricular septal defect 5. Last evaluated: 2024-10-18. Review status: criteria provided, single submitter. Criteria: Invitae Variant Classification Sherloc (09022015). Collection method: clinical testing. Allele origin: germline.
Comment: This sequence change replaces leucine, which is neutral and non-polar, with phenylalanine, which is neutral and non-polar, at codon 416 of the GATA6 protein (p.Leu416Phe). This variant is not present in population databases (gnomAD no frequency). This variant has not been reported in the literature in individuals affected with GATA6-related conditions. ClinVar contains an entry for this variant (Variation ID: 1021916). Invitae Evidence Modeling of protein sequence and biophysical properties (such as structural, functional, and spatial information, amino acid conservation, physicochemical variation, residue mobility, and thermodynamic stability) indicates that this missense variant is expected to disrupt GATA6 protein function with a positive predictive value of 80%. In summary, the available evidence is currently insufficient to determine the role of this variant in disease. Therefore, it has been classified as a Variant of Uncertain Significance.